The following is an entry in ClinVar:

NM_003098.3(SNTA1):c.89G>A (p.Arg30Gln)

Genes: SNTA1 (syntrophin alpha 1; minus strand), LOC130065680 (ATAC-STARR-seq lymphoblastoid silent region 12812; plus strand). Cytogenetic location: 20q11.21.
Variant type: single nucleotide variant.
Coding change: c.89G>A on transcript NM_003098.3 (MANE Select); coding-DNA position 89, G replaced by A.
Protein change: p.Arg30Gln; replaces arginine 30 with glutamine.
Molecular consequence: missense variant.
Genome position (GRCh38, 1-based): chr20:33,443,532, C>T on the plus strand (G>A on the coding strand, the complement: SNTA1 is on the minus strand). VCF-style: chr20-33443532-C-T. GRCh37 (hg19) VCF-style: chr20-32031338-C-T.
Other names: c.89G>A, p.Arg30Gln (NM_001424414.1, NM_001424413.1); short protein forms R30Q.
Identifiers: ClinVar variation 2697048 (VCV002697048.3), dbSNP rs2515130604, ClinGen allele CA408634563.

ClinVar aggregate classification (germline): Uncertain significance (1 of 4 stars; one submission).

Conditions:
Long QT syndrome (LQTS). Identifiers: MedGen C0023976, MeSH D008133, MONDO:0002442. Disease mechanism: loss of function. Inheritance: Various modes of inheritance.

Submission:

Labcorp Genetics (formerly Invitae), Labcorp
Classification: Uncertain significance for Long QT syndrome. Last evaluated: 2023-11-28. Review status: criteria provided, single submitter. Criteria: Invitae Variant Classification Sherloc (09022015). Collection method: clinical testing. Allele origin: germline.
Comment: This sequence change replaces arginine, which is basic and polar, with glutamine, which is neutral and polar, at codon 30 of the SNTA1 protein (p.Arg30Gln). This variant is not present in population databases (gnomAD no frequency). This variant has not been reported in the literature in individuals affected with SNTA1-related conditions. Advanced modeling of protein sequence and biophysical properties (such as structural, functional, and spatial information, amino acid conservation, physicochemical variation, residue mobility, and thermodynamic stability) performed at Invitae indicates that this missense variant is not expected to disrupt SNTA1 protein function with a negative predictive value of 80%. In summary, the available evidence is currently insufficient to determine the role of this variant in disease. Therefore, it has been classified as a Variant of Uncertain Significance.